The following is an entry in ClinVar:

NM_001042492.3(NF1):c.5911G>C (p.Val1971Leu)

Gene: NF1 (neurofibromin 1; plus strand). Cytogenetic location: 17q11.2.
Variant type: single nucleotide variant.
Coding change: c.5911G>C on transcript NM_001042492.3 (MANE Select); coding-DNA position 5911, G replaced by C.
Protein change: p.Val1971Leu; replaces valine 1971 with leucine.
Molecular consequence: missense variant.
Genome position (GRCh38, 1-based): chr17:31,334,936, G>C. VCF-style: chr17-31334936-G-C. GRCh37 (hg19) VCF-style: chr17-29661954-G-C.
Other names: c.5848G>C, p.Val1950Leu (NM_000267.4); short protein forms V1950L, V1971L.
Identifiers: ClinVar variation 4860960 (VCV004860960.1).
Genomic context (GRCh38, chr17:31,334,936, plus strand): 5'-CCATGGCTGTCAAATCTAGTTCGTTTTTGCAAGCATAATGATGATGCCAAACGACAAAGA[G>C]TTACTGCTATTCTTGACAAGCTGATAACAATGACCATCAATGAAAAACAGATGTACCCAT-3'
Protein context (NP_001035957.1, residues 1961-1981): KHNDDAKRQR[Val1971Leu]TAILDKLITM

ClinVar aggregate classification (germline): Uncertain significance (1 of 4 stars; one submission).

Conditions:
Cardiovascular phenotype. Identifiers: MedGen CN230736.
Hereditary cancer-predisposing syndrome. Also called: Neoplastic Syndromes, Hereditary; Tumor predisposition; Hereditary Cancer Syndrome; Hereditary neoplastic syndrome. Identifiers: Orphanet 140162, MedGen C0027672, MeSH D009386, MONDO:0015356.

gnomAD v4.1: 1 of 1,613,690 alleles (0.000062%); highest among the groups gnomAD compares: South Asian, 0.0011%; no homozygotes.

Submission:

Ambry Genetics
Classification: Uncertain significance for Cardiovascular phenotype; Hereditary cancer-predisposing syndrome. Last evaluated: 2026-05-08. Review status: criteria provided, single submitter. Criteria: Ambry Variant Classification Scheme 2023. Collection method: clinical testing. Allele origin: germline.
Comment: The p.V1950L variant (also known as c.5848G>C), located in coding exon 39 of the NF1 gene, results from a G to C substitution at nucleotide position 5848. The valine at codon 1950 is replaced by leucine, an amino acid with highly similar properties. This amino acid position is highly conserved in available vertebrate species. In addition, the in silico prediction for this alteration is inconclusive. Based on the available evidence, the clinical significance of this variant remains unclear.